The following is an entry in ClinVar:

NM_000901.5(NR3C2):c.*890T>G

Gene: NR3C2 (nuclear receptor subfamily 3 group C member 2; minus strand). Cytogenetic location: 4q31.23.
Variant type: single nucleotide variant.
Coding change: c.*890T>G on transcript NM_000901.5 (MANE Select); 890 bases downstream of the stop codon, T replaced by G.
Molecular consequence: 3 prime UTR variant. On other transcripts: non-coding transcript variant (1).
Genome position (GRCh38, 1-based): chr4:148,080,454, A>C on the plus strand (T>G on the coding strand, the complement: NR3C2 is on the minus strand). VCF-style: chr4-148080454-A-C. GRCh37 (hg19) VCF-style: chr4-149001605-A-C.
Other names: c.*890T>G (NM_001166104.2, NM_001354819.1).
Identifiers: ClinVar variation 347706 (VCV000347706.5), dbSNP rs72648706, ClinGen allele CA10617185.

ClinVar aggregate classification (germline): Benign (1 of 4 stars; one submission).

Conditions:
Autosomal dominant pseudohypoaldosteronism type 1. Also called: Pseudohypoaldosteronism, Type I, Autosomal Dominant; PHA I, AUTOSOMAL DOMINANT; Pseudohypoaldosteronism, Type I, Dominant. Identifiers: Orphanet 171871, Orphanet 756, MedGen C1449842, MONDO:0008329, OMIM 177735.

Allele frequency attached by ClinVar (database versions not stated): 1000 Genomes Project 30x 0.00031; 1000 Genomes Project 0.00040; TOPMed 0.00120; gnomAD 0.00148.

Submission:

Illumina Laboratory Services, Illumina
Classification: Benign for Autosomal dominant pseudohypoaldosteronism type 1. Last evaluated: 2018-01-13. Review status: criteria provided, single submitter. Criteria: ICSL Variant Classification Criteria 13 December 2019. Collection method: clinical testing. Allele origin: germline.
Comment: This variant was observed in the ICSL laboratory as part of a predisposition screen in an ostensibly healthy population. It had not been previously curated by ICSL or reported in the Human Gene Mutation Database (HGMD: prior to June 1st, 2018), and was therefore a candidate for classification through an automated scoring system. Utilizing variant allele frequency, disease prevalence and penetrance estimates, and inheritance mode, an automated score was calculated to assess if this variant is too frequent to cause the disease. Based on the score and internal cut-off values, a variant classified as benign is not then subjected to further curation. The score for this variant resulted in a classification of benign for this disease.